The following is an entry in ClinVar:

ClinVar aggregate classification (germline): Uncertain significance (1 of 4 stars; one submission).

Conditions:
Progressive myoclonic epilepsy type 3. Also called: KCTD7-Related Progressive Myoclonic Epilepsy; EPILEPSY, PROGRESSIVE MYOCLONIC, 3, WITH OR WITHOUT INTRACELLULAR INCLUSIONS; CEROID LIPOFUSCINOSIS, NEURONAL, 14; EPILEPSY, PROGRESSIVE MYOCLONIC, 3, WITHOUT INTRACELLULAR INCLUSIONS. Identifiers: Orphanet 263516, MedGen C2673257, MONDO:0012721, OMIM 611726.

Allele frequency attached by ClinVar (database versions not stated): gnomAD exomes below 0.00001 and 0.00001; TOPMed below 0.00001; ExAC 0.00001.
gnomAD v4.1: 16 of 1,614,202 alleles (0.00099%); highest among the groups gnomAD compares: Non-Finnish European, 0.0012%; no homozygotes.

Submission:

Labcorp Genetics (formerly Invitae), Labcorp
Classification: Uncertain significance for Progressive myoclonic epilepsy type 3. Last evaluated: 2021-08-27. Review status: criteria provided, single submitter. Criteria: Invitae Variant Classification Sherloc (09022015). Collection method: clinical testing. Allele origin: germline.
Comment: This sequence change replaces phenylalanine with leucine at codon 212 of the KCTD7 protein (p.Phe212Leu). The phenylalanine residue is highly conserved and there is a small physicochemical difference between phenylalanine and leucine. This variant is present in population databases (rs752360120, ExAC 0.001%). This variant has not been reported in the literature in individuals affected with KCTD7-related conditions. Algorithms developed to predict the effect of missense changes on protein structure and function (SIFT, PolyPhen-2, Align-GVGD) all suggest that this variant is likely to be tolerated. Algorithms developed to predict the effect of sequence changes on RNA splicing suggest that this variant may create or strengthen a splice site. In summary, the available evidence is currently insufficient to determine the role of this variant in disease. Therefore, it has been classified as a Variant of Uncertain Significance.

NM_153033.5(KCTD7):c.636T>A (p.Phe212Leu)

Gene: KCTD7 (potassium channel tetramerization domain containing 7; plus strand). Cytogenetic location: 7q11.21.
Variant type: single nucleotide variant.
Coding change: c.636T>A on transcript NM_153033.5 (MANE Select); coding-DNA position 636, T replaced by A.
Protein change: p.Phe212Leu; replaces phenylalanine 212 with leucine.
Molecular consequence: missense variant.
Genome position (GRCh38, 1-based): chr7:66,638,998, T>A. VCF-style: chr7-66638998-T-A. GRCh37 (hg19) VCF-style: chr7-66103985-T-A.
Other names: c.636T>A, p.Phe212Leu (NM_001167961.2); short protein forms F212L.
Identifiers: ClinVar variation 665793 (VCV000665793.8), dbSNP rs752360120, ClinGen allele CA4278312.